The following is an entry in ClinVar:

ClinVar aggregate classification (germline): Uncertain significance (1 of 4 stars; one submission).

Allele frequency attached by ClinVar (database versions not stated): gnomAD exomes below 0.00001; ExAC 0.00001; gnomAD 0.00004; TOPMed 0.00004.
gnomAD v4.1: 13 of 1,614,076 alleles (0.00081%); highest among the groups gnomAD compares: African/African-American, 0.017%; no homozygotes.

Submission:

Labcorp Genetics (formerly Invitae), Labcorp
Classification: Uncertain significance. Last evaluated: 2023-09-10. Review status: criteria provided, single submitter. Criteria: Invitae Variant Classification Sherloc (09022015). Collection method: clinical testing. Allele origin: germline.
Comment: In summary, the available evidence is currently insufficient to determine the role of this variant in disease. Therefore, it has been classified as a Variant of Uncertain Significance. Advanced modeling of protein sequence and biophysical properties (such as structural, functional, and spatial information, amino acid conservation, physicochemical variation, residue mobility, and thermodynamic stability) performed at Invitae indicates that this missense variant is not expected to disrupt MTMR14 protein function. This variant has not been reported in the literature in individuals affected with MTMR14-related conditions. This variant is present in population databases (rs761153860, gnomAD 0.01%). This sequence change replaces serine, which is neutral and polar, with arginine, which is basic and polar, at codon 72 of the MTMR14 protein (p.Ser72Arg).

NM_001077525.3(MTMR14):c.214A>C (p.Ser72Arg)

Gene: MTMR14 (myotubularin related protein 14; plus strand). Cytogenetic location: 3p25.3.
Variant type: single nucleotide variant.
Coding change: c.214A>C on transcript NM_001077525.3 (MANE Select); coding-DNA position 214, A replaced by C.
Protein change: p.Ser72Arg; replaces serine 72 with arginine.
Molecular consequence: missense variant. On other transcripts: 5 prime UTR variant (14), non-coding transcript variant (8), intron variant (6).
Genome position (GRCh38, 1-based): chr3:9,653,675, A>C. VCF-style: chr3-9653675-A-C. GRCh37 (hg19) VCF-style: chr3-9695359-A-C.
Other names: c.214A>C, p.Ser72Arg (NM_001077526.3, NM_001400519.1, NM_001400520.1 and 9 more transcripts); c.283A>C, p.Ser95Arg (NM_001400518.1, NM_001400521.1, NM_001400526.1); c.-502A>C (NM_001400547.1); c.-426A>C (NM_001400548.1); c.-353A>C (NM_001400549.1, NM_001400534.1, NM_001400538.1 and 3 more transcripts); c.-256A>C (NM_001400550.1); c.26+3933A>C (NM_001400525.1, NM_001400529.1, NM_001400532.1 and 1 more transcripts); c.-198+3933A>C (NM_001400535.1); and 4 more; short protein forms S95R, S72R.
Identifiers: ClinVar variation 2708501 (VCV002708501.3), dbSNP rs761153860, ClinGen allele CA2240199.